The following is an entry in ClinVar:

NM_000179.3(MSH6):c.2068T>G (p.Tyr690Asp)

Gene: MSH6 (mutS homolog 6; plus strand). Cytogenetic location: 2p16.3.
Variant type: single nucleotide variant.
Coding change: c.2068T>G on transcript NM_000179.3 (MANE Select); coding-DNA position 2068, T replaced by G.
Protein change: p.Tyr690Asp; replaces tyrosine 690 with aspartic acid.
Molecular consequence: missense variant. On other transcripts: non-coding transcript variant (5), intron variant (2).
Genome position (GRCh38, 1-based): chr2:47,800,051, T>G. VCF-style: chr2-47800051-T-G. GRCh37 (hg19) VCF-style: chr2-48027190-T-G.
Other names: c.1771T>G, p.Tyr591Asp (NM_001406819.1, NM_001406820.1, NM_001406821.1 and 10 more transcripts); c.1162T>G, p.Tyr388Asp (NM_001406823.1, NM_001281493.2, NM_001281494.2 and 6 more transcripts); c.1900T>G, p.Tyr634Asp (NM_001406826.1); c.1678T>G, p.Tyr560Asp (NM_001281492.2); c.2164T>G, p.Tyr722Asp (NM_001406795.1, NM_001406802.1); c.2068T>G, p.Tyr690Asp (NM_001406796.1, NM_001406798.1, NM_001406800.1 and 3 more transcripts); c.1543T>G, p.Tyr515Asp (NM_001406799.1, NM_001406806.1, NM_001406807.1); c.1990T>G, p.Tyr664Asp (NM_001406804.1); and 3 more; short protein forms Y388D, Y515D, Y560D, Y591D, Y634D, Y664D, Y690D, Y692D.
Identifiers: ClinVar variation 3230522 (VCV003230522.2), dbSNP rs2104387073, ClinGen allele CA346750794.
Genomic context (GRCh38, chr2:47,800,051, plus strand): 5'-GGGTTGACACCAGGAGAGAAAAGTGAATTGGCCCTCTCTGCTCTAGGTGGTTGTGTCTTC[T>G]ACCTCAAAAAATGCCTTATTGATCAGGAGCTTTTATCAATGGCTAATTTTGAAGAATATA-3'
Protein context (NP_000170.1, residues 680-700): ALSALGGCVF[Tyr690Asp]LKKCLIDQEL

ClinVar aggregate classification (germline): Uncertain significance (1 of 4 stars; one submission).

Conditions:
Hereditary cancer-predisposing syndrome. Also called: Neoplastic Syndromes, Hereditary; Tumor predisposition; Hereditary Cancer Syndrome; Hereditary neoplastic syndrome. Identifiers: Orphanet 140162, MedGen C0027672, MeSH D009386, MONDO:0015356.

Submission:

Ambry Genetics
Classification: Uncertain significance for Hereditary cancer-predisposing syndrome. Last evaluated: 2026-08-17. Review status: criteria provided, single submitter. Criteria: Ambry Variant Classification Scheme 2023. Collection method: clinical testing. Allele origin: germline.
Comment: The p.Y690D variant (also known as c.2068T>G), located in coding exon 4 of the MSH6 gene, results from a T to G substitution at nucleotide position 2068. The tyrosine at codon 690 is replaced by aspartic acid, an amino acid with highly dissimilar properties. This amino acid position is conserved. In addition, this alteration is predicted to be deleterious by in silico analysis. Based on the available evidence, the clinical significance of this variant remains unclear.